The following is an entry in ClinVar:

ClinVar aggregate classification (germline): Uncertain significance (1 of 4 stars; one submission).

Conditions:
Early-onset myopathy with fatal cardiomyopathy (CMYO5). Also called: CONGENITAL MYOPATHY 5 WITH CARDIOMYOPATHY; Salih Myopathy. Identifiers: Orphanet 289377, MedGen C2673677, MONDO:0012714, OMIM 611705. Disease mechanism: loss of function.

gnomAD v4.1: 1 of 1,607,354 alleles (0.000062%); highest among the groups gnomAD compares: South Asian, 0.0011%; no homozygotes.

Submission:

Victorian Clinical Genetics Services, Murdoch Childrens Research Institute
Classification: Uncertain significance for Early-onset myopathy with fatal cardiomyopathy. Last evaluated: 2022-09-02. Review status: criteria provided, single submitter. Criteria: ACMG Guidelines, 2015. Collection method: clinical testing. Allele origin: germline. Inheritance: Autosomal recessive inheritance. Affected: yes.
Comment: Based on the classification scheme VCGS_Germline_v1.3.4, this variant is classified as VUS-3C. Following criteria are met: 0102 - Loss of function is known mechanism of disease in this gene. In addition, dominant-negative is also a suggested mechanism (PMID: 25589632). (I) 0108 - This gene is associated with both recessive and dominant disease (OMIM). (I) 0112 - The condition associated with this gene has incomplete penetrance. Variants in this gene that result in a premature truncating codon (PTC) are known to have reduced penetrance in DCM (PMID: 25589632). (I) 0212 - Non-canonical splice site variant without proven consequence on splicing (no functional evidence available). (SP) 0251 - This variant is heterozygous. (I) 0301 - Variant is absent from gnomAD (both v2 and v3). (SP) 0506 - Abnormal splicing is not predicted and nucleotide is poorly conserved. (SB) 0600 - Variant is located in the annotated I band, where adjacent exons have PSI scores of 54 and 59 (cardiodb). (I) 0705 - No comparable non-canonical splice variants have previous evidence for pathogenicity. (I) 0807 - This variant has no previous evidence of pathogenicity. (I) 0905 - No published segregation evidence has been identified for this variant. (I) 1007 - No published functional evidence has been identified for this variant. (I) 1208 - Inheritance information for this variant is not currently available in this individual. (I) Legend: (SP) - Supporting pathogenic, (I) - Information, (SB) - Supporting benign

Literature cited by the submitters: PubMed 25589632.

NM_001267550.2(TTN):c.25921+6C>T

Gene: TTN (titin; minus strand). Cytogenetic location: 2q31.2.
Variant type: single nucleotide variant.
Coding change: c.25921+6C>T on transcript NM_001267550.2 (MANE Select); 6 bases into the intron after coding-DNA position 25921, C replaced by T.
Molecular consequence: intron variant.
Genome position (GRCh38, 1-based): chr2:178,715,487, G>A on the plus strand (C>T on the coding strand, the complement: TTN is on the minus strand). VCF-style: chr2-178715487-G-A. GRCh37 (hg19) VCF-style: chr2-179580214-G-A.
Other names: c.13282+22595C>T (NM_003319.4); c.13858+22595C>T (NM_133437.4); c.13657+22595C>T (NM_133432.3); c.22189+6C>T (NM_133378.4); c.24970+6C>T (NM_001256850.1).
Identifiers: ClinVar variation 3377501 (VCV003377501.1).